The following is an entry in ClinVar:

ClinVar aggregate classification (germline): Likely benign (1 of 4 stars; one submission).

Conditions:
SHROOM2-related disorder. Also called: SHROOM2-related condition.

gnomAD v4.1: 320 of 1,180,689 alleles (0.027%); highest among the groups gnomAD compares: Admixed American, 0.095%; 1 homozygote.

Submission:

PreventionGenetics, part of Exact Sciences
Classification: Likely benign for SHROOM2-related condition. Last evaluated: 2026-09-02. Review status: criteria provided, single submitter. Criteria: ACMG Guidelines, 2015. Collection method: clinical testing. Allele origin: germline.
Comment: This variant is classified as likely benign based on ACMG/AMP sequence variant interpretation guidelines (Richards et al. 2015 PMID: 25741868, with internal and published modifications).

NM_001649.4(SHROOM2):c.1638C>T (p.Ser546=)

Gene: SHROOM2 (shroom family member 2; plus strand). Cytogenetic location: Xp22.2.
Variant type: single nucleotide variant.
Coding change: c.1638C>T on transcript NM_001649.4 (MANE Select); coding-DNA position 1638, C replaced by T.
Protein change: p.Ser546=; no amino-acid change (serine 546 retained).
Molecular consequence: synonymous variant.
Genome position (GRCh38, 1-based): chrX:9,895,546, C>T. VCF-style: chrX-9895546-C-T. GRCh37 (hg19) VCF-style: chrX-9863586-C-T.
Identifiers: ClinVar variation 4980857 (VCV004980857.1).